The following is an entry in ClinVar:

NM_003722.5(TP63):c.1091T>G (p.Val364Gly)

Gene: TP63 (tumor protein p63; plus strand). Cytogenetic location: 3q28.
Variant type: single nucleotide variant.
Coding change: c.1091T>G on transcript NM_003722.5 (MANE Select); coding-DNA position 1091, T replaced by G.
Protein change: p.Val364Gly; replaces valine 364 with glycine.
Molecular consequence: missense variant.
Genome position (GRCh38, 1-based): chr3:189,868,678, T>G. VCF-style: chr3-189868678-T-G. GRCh37 (hg19) VCF-style: chr3-189586467-T-G.
Other names: c.1091T>G, p.Val364Gly (NM_001114978.2, NM_001114979.2, NM_001329144.2 and 1 more transcripts); c.809T>G, p.Val270Gly (NM_001114980.2, NM_001114981.2, NM_001114982.2 and 2 more transcripts); c.554T>G, p.Val185Gly (NM_001329146.2, NM_001329150.2); c.1085T>G, p.Val362Gly (NM_001329964.2); short protein forms V362G, V270G, V185G, V364G.
Identifiers: ClinVar variation 3636916 (VCV003636916.1).

ClinVar aggregate classification (germline): Uncertain significance (1 of 4 stars; one submission).

Conditions:
TP63-Related Spectrum Disorders.

gnomAD v4.1: 4 of 1,613,908 alleles (0.00025%); highest among the groups gnomAD compares: African/African-American, 0.0013%; no homozygotes.

Submission:

Labcorp Genetics (formerly Invitae), Labcorp
Classification: Uncertain significance. Last evaluated: 2024-05-27. Review status: criteria provided, single submitter. Criteria: Invitae Variant Classification Sherloc (09022015). Collection method: clinical testing. Allele origin: germline.
Comment: This sequence change replaces valine, which is neutral and non-polar, with glycine, which is neutral and non-polar, at codon 364 of the TP63 protein (p.Val364Gly). This variant is not present in population databases (gnomAD no frequency). This variant has not been reported in the literature in individuals affected with TP63-related conditions. Advanced modeling of protein sequence and biophysical properties (such as structural, functional, and spatial information, amino acid conservation, physicochemical variation, residue mobility, and thermodynamic stability) has been performed at Invitae for this missense variant, however the output from this modeling did not meet the statistical confidence thresholds required to predict the impact of this variant on TP63 protein function. In summary, the available evidence is currently insufficient to determine the role of this variant in disease. Therefore, it has been classified as a Variant of Uncertain Significance.